The following is an entry in ClinVar:

NM_000257.4(MYH7):c.4992C>A (p.Asn1664Lys)

Genes: MHRT (myosin heavy chain associated RNA transcript; plus strand), MYH7 (myosin heavy chain 7; minus strand), LOC126861897 (BRD4-independent group 4 enhancer GRCh37_chr14:23884455-23885654; plus strand). Cytogenetic location: 14q11.2.
Variant type: single nucleotide variant.
Coding change: c.4992C>A on transcript NM_000257.4 (MANE Select); coding-DNA position 4992, C replaced by A.
Protein change: p.Asn1664Lys; replaces asparagine 1664 with lysine.
Molecular consequence: missense variant. On other transcripts: non-coding transcript variant (1).
Genome position (GRCh38, 1-based): chr14:23,415,794, G>T on the plus strand (C>A on the coding strand, the complement: MYH7 is on the minus strand). VCF-style: chr14-23415794-G-T. GRCh37 (hg19) VCF-style: chr14-23885003-G-T.
Other names: short protein forms N1664K.
Identifiers: ClinVar variation 217461 (VCV000217461.18), dbSNP rs763538103, ClinGen allele CA044638.

ClinVar aggregate classification (germline): Conflicting classifications of pathogenicity. Review status: criteria provided, conflicting classifications (1 of 4 stars). 8 submissions from 8 submitters: Likely pathogenic (1); Uncertain significance (6). 1 of the submissions does not count toward it. Last evaluated 2026-08-24.

Conditions:
Cardiovascular phenotype. Identifiers: MedGen CN230736.
MYH7-related disorder. Also called: MYH7-related condition; MYH7-related disease; MYH7-related disorders.
Hypertrophic cardiomyopathy 1 (CMH1). Also called: MYH7-Related Familial Hypertrophic Cardiomyopathy; Familial hypertrophic cardiomyopathy 1. Identifiers: MedGen C3495498, MONDO:0008647, OMIM 192600.
Cardiomyopathy (CMYO). Also called: Cardiomyopathies. Identifiers: Orphanet 167848, MedGen C0878544, MONDO:0004994, HP:0001638. Inheritance: Various modes of inheritance.
Dilated cardiomyopathy 1S (CMD1S). Identifiers: Orphanet 154, Orphanet 54260, MedGen C1834481, MONDO:0013262, OMIM 613426.
Hypertrophic cardiomyopathy. Also called: HYPERTROPHIC MYOCARDIOPATHY. Identifiers: Orphanet 217569, MedGen C0007194, MeSH D002312, MONDO:0005045, HP:0001639.

Allele frequency attached by ClinVar (database versions not stated): TOPMed 0.00001.
gnomAD v4.1: 5 of 1,614,208 alleles (0.00031%); highest among the groups gnomAD compares: Admixed American, 0.0017%; no homozygotes.

Submissions (8):

Ambry Genetics
Classification: Uncertain significance for Cardiovascular phenotype. Last evaluated: 2026-08-24. Review status: criteria provided, single submitter. Criteria: Ambry Variant Classification Scheme 2023. Collection method: clinical testing. Allele origin: germline.
Comment: The p.N1664K variant (also known as c.4992C>A), located in coding exon 33 of the MYH7 gene, results from a C to A substitution at nucleotide position 4992. The asparagine at codon 1664 is replaced by lysine, an amino acid with similar properties. This variant was reported in individual(s) with features consistent with hypertrophic cardiomyopathy (HCM) (Homburger JR et al. Proc Natl Acad Sci U S A, 2016 Jun;113:6701-6). This amino acid position is well conserved in available vertebrate species. In addition, this alteration is predicted to be tolerated by in silico analysis. Based on the available evidence, the clinical significance of this variant remains unclear.

OLLIN Analises Genomicas, OLLIN
Classification: Uncertain significance for Dilated cardiomyopathy 1S. Last evaluated: 2026-08-06. Review status: criteria provided, single submitter. Criteria: ACMG Guidelines 2015 PMID 25741868. Collection method: clinical testing. Allele origin: germline. Inheritance: Autosomal dominant inheritance.
Comment: This missense variant, located in exon 35 (of 40), has been reported in ClinVar (accession VCV000626542.18) and in gnomAD with an allele frequency of 0.00031%. However, to our knowledge, it has not been reported in the scientific literature. In silico analysis predicts that this variant has a tolerated effect. According to the currently available evidence, this variant has been classified as uncertain significance (PM2_P, BP4).

Labcorp Genetics (formerly Invitae), Labcorp
Classification: Uncertain significance for Hypertrophic cardiomyopathy. Last evaluated: 2024-12-22. Review status: criteria provided, single submitter. Criteria: Invitae Variant Classification Sherloc (09022015). Collection method: clinical testing. Allele origin: germline.
Comment: This sequence change replaces asparagine, which is neutral and polar, with lysine, which is basic and polar, at codon 1664 of the MYH7 protein (p.Asn1664Lys). This variant is present in population databases (rs763538103, gnomAD 0.003%). This missense change has been observed in individual(s) with hypertrophic cardiomyopathy (PMID: 27247418). ClinVar contains an entry for this variant (Variation ID: 217461). An algorithm developed specifically for the MYH7 gene suggests that this missense change is likely to be tolerated (PMID: 21310275). In summary, the available evidence is currently insufficient to determine the role of this variant in disease. Therefore, it has been classified as a Variant of Uncertain Significance.

Revvity Omics, Revvity
Classification: Uncertain significance. Last evaluated: 2020-10-29. Review status: criteria provided, single submitter. Criteria: ACMG Guidelines, 2015. Collection method: clinical testing. Allele origin: germline.

Mendelics
Classification: Uncertain significance for Hypertrophic cardiomyopathy 1. Last evaluated: 2019-05-28. Review status: criteria provided, single submitter. Criteria: Mendelics Assertion Criteria 2017. Collection method: clinical testing. Allele origin: unknown.

Color Diagnostics, LLC DBA Color Health
Classification: Uncertain significance for Cardiomyopathy. Last evaluated: 2019-04-09. Review status: criteria provided, single submitter. Criteria: ACMG Guidelines, 2015. Collection method: clinical testing. Allele origin: germline.
Comment: This missense variant replaces asparagine with lysine at codon 1664 of the MYH7 protein. Computational prediction tools and conservation analyses are inconclusive regarding the impact of this variant on the protein function. Computational splicing tools suggest that this variant may not impact RNA splicing. To our knowledge, functional assays have not been performed for this variant. This variant has been reported in an individual affected with hypertrophic cardiomyopathy (PMID: 27247418). This variant has also been identified in 3/251434 chromosomes in the general population by the Genome Aggregation Database (gnomAD). Available evidence is insufficient to determine the role of this variant in disease conclusively. Therefore, this variant is classified as a Variant of Uncertain Significance.

Laboratory of Genetics and Molecular Cardiology, University of São Paulo
Classification: Likely pathogenic for Hypertrophic cardiomyopathy 1. Review status: criteria provided, single submitter. Criteria: LGCM Criteria August 2015. Collection method: clinical testing. Allele origin: germline. Inheritance: Autosomal dominant inheritance. Affected: yes. Observed: 1 variant allele. Study: Sarcomeric Human Cardiomyopathy Registry (ShaRe).

PreventionGenetics, part of Exact Sciences
Classification: Uncertain significance for MYH7-related condition. Last evaluated: 2024-02-19. Review status: no assertion criteria provided. Collection method: clinical testing. Allele origin: germline. Not counted in ClinVar's aggregate classification.
Comment: The MYH7 c.4992C>A variant is predicted to result in the amino acid substitution p.Asn1664Lys. This variant has been reported in an individual with hypertrophic cardiomyopathy (Table S1, Homburger et al. 2016. PubMed ID: 27247418). This variant is reported in 0.0029% of alleles in individuals of Latino descent in gnomAD. At this time, the clinical significance of this variant is uncertain due to the absence of conclusive functional and genetic evidence.

Literature cited by the submitters: PubMed 27247418 (cited by Ambry Genetics and Labcorp Genetics (formerly Invitae), Labcorp); PubMed 21310275 (cited by Labcorp Genetics (formerly Invitae), Labcorp).